The following is an entry in ClinVar:

NM_000455.5(STK11):c.940C>T (p.Pro314Ser)

Gene: STK11 (serine/threonine kinase 11; plus strand). Cytogenetic location: 19p13.3.
Variant type: single nucleotide variant.
Coding change: c.940C>T on transcript NM_000455.5 (MANE Select); coding-DNA position 940, C replaced by T.
Protein change: p.Pro314Ser; replaces proline 314 with serine.
Molecular consequence: missense variant.
Genome position (GRCh38, 1-based): chr19:1,223,004, C>T. VCF-style: chr19-1223004-C-T. GRCh37 (hg19) VCF-style: chr19-1223003-C-T.
Other names: short protein forms P314S.
Identifiers: ClinVar variation 642068 (VCV000642068.19), dbSNP rs758416485, ClinGen allele CA049758.

ClinVar aggregate classification (germline): Conflicting classifications of pathogenicity. Review status: criteria provided, conflicting classifications (1 of 4 stars). 5 submissions from 5 submitters: Uncertain significance (4); Likely benign (1). Last evaluated 2026-01-28.

Conditions:
Hereditary cancer-predisposing syndrome. Also called: Neoplastic Syndromes, Hereditary; Hereditary Cancer Syndrome; Hereditary neoplastic syndrome; Tumor predisposition. Identifiers: Orphanet 140162, MedGen C0027672, MeSH D009386, MONDO:0015356.
Peutz-Jeghers syndrome (PJS). Also called: POLYPOSIS, HAMARTOMATOUS INTESTINAL; POLYPS-AND-SPOTS SYNDROME; Peutz-Jeghers polyposis; Periorificial lentiginosis syndrome. Identifiers: Orphanet 2869, MedGen C0031269, MeSH D010580, MONDO:0008280, OMIM 175200.

Allele frequency attached by ClinVar (database versions not stated): ExAC 0.00013.

Submissions (5):

Labcorp Genetics (formerly Invitae), Labcorp
Classification: Uncertain significance for Peutz-Jeghers syndrome. Last evaluated: 2026-01-28. Review status: criteria provided, single submitter. Criteria: Invitae Variant Classification Sherloc (09022015). Collection method: clinical testing. Allele origin: germline.
Comment: This sequence change replaces proline, which is neutral and non-polar, with serine, which is neutral and polar, at codon 314 of the STK11 protein (p.Pro314Ser). This variant is present in population databases (rs758416485, gnomAD 0.004%). This variant has not been reported in the literature in individuals affected with STK11-related conditions. ClinVar contains an entry for this variant (Variation ID: 642068). Invitae Evidence Modeling of protein sequence and biophysical properties (such as structural, functional, and spatial information, amino acid conservation, physicochemical variation, residue mobility, and thermodynamic stability) indicates that this missense variant is not expected to disrupt STK11 protein function with a negative predictive value of 95%. In summary, the available evidence is currently insufficient to determine the role of this variant in disease. Therefore, it has been classified as a Variant of Uncertain Significance.

Color Diagnostics, LLC DBA Color Health
Classification: Uncertain significance for Hereditary cancer-predisposing syndrome. Last evaluated: 2025-07-11. Review status: criteria provided, single submitter. Criteria: ACMG Guidelines, 2015. Collection method: clinical testing. Allele origin: germline.
Comment: This missense variant replaces proline with serine at codon 314 of the STK11 protein. Computational prediction suggests that this variant may not impact protein structure and function. To our knowledge, functional studies have not been reported for this variant. This variant has been reported in an individual and their brother who were affected with prostate cancer (PMID: 24556621). This variant has been identified in 4/184896 chromosomes in the general population by the Genome Aggregation Database (gnomAD). The available evidence is insufficient to determine the role of this variant in disease conclusively. Therefore, this variant is classified as a Variant of Uncertain Significance.

Ambry Genetics
Classification: Likely benign for Hereditary cancer-predisposing syndrome. Last evaluated: 2022-06-28. Review status: criteria provided, single submitter. Criteria: Ambry Variant Classification Scheme 2023. Collection method: clinical testing. Allele origin: germline.

Sema4
Classification: Uncertain significance for Hereditary cancer-predisposing syndrome. Last evaluated: 2021-07-20. Review status: criteria provided, single submitter. Criteria: Sema4 Curation Guidelines. Collection method: curation. Allele origin: germline.
Comment: The STK11 c.940C>T (p.P314S) variant has not been reported in the literature to our knowledge. It was observed in 4/184896 chromosomes in the large and broad cohorts of the Genome Aggregation Database (PMID: 32461654). The variant has been reported in ClinVar (Variation ID 642068). Functional studies have not been performed, and in silico predictions of the variant's effect on protein function are inconclusive. The evidence is insufficient to meet ACMG/AMP criteria for classifying the variant as benign or pathogenic. Thus, the clinical significance of this variant is currently uncertain.

Genome-Nilou Lab
Classification: Uncertain significance for Peutz-Jeghers syndrome. Last evaluated: 2021-07-15. Review status: criteria provided, single submitter. Criteria: ACMG Guidelines, 2015. Collection method: clinical testing. Allele origin: germline. Affected: no.

Literature cited by the submitters: PubMed 24556621 (cited by Color Diagnostics, LLC DBA Color Health); PubMed 29192238 (cited by Ambry Genetics).